The following is an entry in ClinVar:

ClinVar aggregate classification (germline): Pathogenic/Likely pathogenic. Review status: criteria provided, multiple submitters, no conflicts (2 of 4 stars). 26 submissions from 26 submitters: Pathogenic (18); Likely pathogenic (5). 3 of the submissions do not count toward it. Last evaluated 2026-05-27.

Conditions:
Cardiovascular phenotype. Identifiers: MedGen CN230736.
Cardiac arrhythmia. Also called: Arrhythmia; Cardiac rhythm disease. Identifiers: MedGen C0003811, MONDO:0007263, HP:0011675.
KCNQ1-related disorder. Also called: KCNQ1-related condition; KCNQ1-related disorders. Identifiers: MedGen CN239322.
Familial long QT syndrome (RWS). Also called: Congenital long QT syndrome; Romano-Ward syndrome; VENTRICULAR FIBRILLATION WITH PROLONGED QT INTERVAL. Identifiers: Orphanet 768, MedGen C1141890, MONDO:0019171.
Atrial fibrillation, familial, 3 (ATFB3). Identifiers: MedGen C1837014, MONDO:0011857, OMIM 607554.
Long QT syndrome 1 (LQT1). Identifiers: Orphanet 101016, Orphanet 768, MedGen C4551647, MONDO:0100316, OMIM 192500, MONDO:0008646.
Jervell and Lange-Nielsen syndrome 1 (JLNS1). Also called: CARDIOAUDITORY SYNDROME OF JERVELL AND LANGE-NIELSEN; DEAFNESS, CONGENITAL, AND FUNCTIONAL HEART DISEASE; PROLONGED QT INTERVAL IN EKG AND SUDDEN DEATH; SURDO-CARDIAC SYNDROME. Identifiers: Orphanet 768, Orphanet 90647, MedGen C4551509, MONDO:0024540, OMIM 220400.
Short QT syndrome type 2. Identifiers: Orphanet 51083, MedGen C1865019, MONDO:0012313, OMIM 609621.
Beckwith-Wiedemann syndrome (BWS). Also called: Exomphalos macroglossia gigantism syndrome; EMG SYNDROME. Identifiers: Orphanet 116, MedGen C0004903, MONDO:0007534, OMIM 130650.
Long QT syndrome (LQTS). Identifiers: MedGen C0023976, MeSH D008133, MONDO:0002442. Disease mechanism: loss of function. Inheritance: Various modes of inheritance.

Allele frequency attached by ClinVar (database versions not stated): gnomAD 0.00001; TOPMed 0.00001; gnomAD exomes 0.00002; ExAC 0.00003.
gnomAD v4.1: 33 of 1,613,642 alleles (0.002%); highest among the groups gnomAD compares: East Asian, 0.0067%; no homozygotes.

Submissions 1 to 7 of 26:

Ambry Genetics
Classification: Pathogenic for Cardiovascular phenotype. Last evaluated: 2026-05-27. Review status: criteria provided, single submitter. Criteria: Ambry Variant Classification Scheme 2023. Collection method: clinical testing. Allele origin: germline.
Comment: The c.1781G>A (p.R594Q) alteration is located in exon 15 (coding exon 15) of the KCNQ1 gene. This alteration results from a G to A substitution at nucleotide position 1781, causing the arginine (R) at amino acid position 594 to be replaced by a glutamine (Q). Based on data from gnomAD, the A allele has an overall frequency of 0.003% (7/282350) total alleles studied. The highest observed frequency was 0.005% (1/19950) of East Asian alleles. This variant was reported in individual(s) with features consistent with long QT syndrome (Splawski, 2000; Kapplinger, 2009; Cava, 2021). This amino acid position is highly conserved in available vertebrate species. In multiple assays testing KCNQ1 function, this variant showed functionally abnormal results (Westenskow, 2004; Kanki, 2004; Zhang, 2014). This alteration is predicted to be deleterious by in silico analysis. Based on the available evidence, this alteration is classified as pathogenic.

PreventionGenetics, part of Exact Sciences
Classification: Pathogenic for KCNQ1-related condition. Last evaluated: 2026-05-18. Review status: criteria provided, single submitter. Criteria: ACMG Guidelines, 2015. Collection method: clinical testing. Allele origin: germline.
Comment: The KCNQ1 c.1781G>A variant is predicted to result in the amino acid substitution p.Arg594Gln. This variant was reported in multiple individuals with long QT syndrome or referred for long QT syndrome testing (Splawski et al. 2000. PubMed ID: 10973849; Kapplinger et al. 2009, Supplemental Table 1; Giudicessi et al. 2012. PubMed ID: 22949429, Supplemental Table 1; Marschall et al. 2019. PubMed ID: 31737537, Supplementary data). This variant was also reported in the compound heterozygous state in an individual with Jervell and Lange-Nielsen syndrome (Huang et al. 2001. PubMed ID: 11530100, patient #UK5M). Functional studies showed that this variant leads to reduced cell surface expression, trafficking defect, and a reduction or loss of channel function (Westenskow et al. 2004. PubMed ID: 15051636; Kanki et al. 2004. PubMed ID: 15140888; Wilson et al. 2005. PubMed ID: 15935335). This variant is reported in 0.0050% of alleles in individuals of East Asian descent in gnomAD and is interpreted as pathogenic or likely pathogenic in ClinVar (Variation ID: 53018﻿). This variant is interpreted as pathogenic.

Labcorp Genetics (formerly Invitae), Labcorp
Classification: Pathogenic for Long QT syndrome. Last evaluated: 2026-01-21. Review status: criteria provided, single submitter. Criteria: Invitae Variant Classification Sherloc (09022015). Collection method: clinical testing. Allele origin: germline.
Comment: This sequence change replaces arginine, which is basic and polar, with glutamine, which is neutral and polar, at codon 594 of the KCNQ1 protein (p.Arg594Gln). This variant is present in population databases (rs199472815, gnomAD 0.005%). This missense change has been observed in individual(s) with Jervell and Lange-Nielsen syndrome and/or long QT syndrome (PMID: 10973849, 11530100, 12402336, 15840476, 16818214, 17905336, 19716085, 24218437). In at least one individual the data is consistent with being in trans (on the opposite chromosome) from a pathogenic variant. ClinVar contains an entry for this variant (Variation ID: 53018). Invitae Evidence Modeling of protein sequence and biophysical properties (such as structural, functional, and spatial information, amino acid conservation, physicochemical variation, residue mobility, and thermodynamic stability) has been performed for this missense variant. However, the output from this modeling did not meet the statistical confidence thresholds required to predict the impact of this variant on KCNQ1 protein function. Experimental studies have shown that this missense change affects KCNQ1 function (PMID: 15051636, 15935335, 20662986, 25453094). For these reasons, this variant has been classified as Pathogenic.

Institute of Human Genetics, University of Leipzig Medical Center
Classification: Pathogenic for Long QT syndrome 1. Last evaluated: 2025-12-11. Review status: criteria provided, single submitter. Criteria: ACMG Guidelines, 2015. Collection method: clinical testing. Allele origin: unknown. Inheritance: Autosomal dominant inheritance. Affected: yes.
Comment: Criteria applied: PS3,PS4,PP1,PP3

Variantyx, Inc.
Classification: Likely pathogenic for Long QT syndrome 1. Last evaluated: 2025-11-28. Review status: criteria provided, single submitter. Criteria: Variantyx Assertion Criteria 2022. Collection method: clinical testing. Allele origin: germline. Inheritance: Autosomal dominant inheritance. Affected: yes.
Comment: This is a nonsynonymous variant in the KCNQ1 gene (OMIM: 607542). Pathogenic variants in this gene have been associated with autosomal dominant Long QT syndrome 1. This variant has been reported in several unrelated affected individuals (PMID: 10973849, 22949429, 17905336, 25453094) (PS4). Functional studies have shown that this variant alters KCNQ1 protein function (PMID: 15051636, 39969993) (PS3) and multiple computational algorithms predict a deleterious effect for this variant (REVEL score: 0.846) (PP3). This variant has a 0.0067% maximum allele frequency in non-founder control populations. Based on the current evidence, this variant is classified as likely pathogenic for autosomal dominant Long QT syndrome 1.

3billion
Classification: Pathogenic for Jervell and Lange-Nielsen syndrome 1. Last evaluated: 2025-08-04. Review status: criteria provided, single submitter. Criteria: ACMG Guidelines, 2015. Collection method: clinical testing. Allele origin: germline. Affected: yes.
Comment: The variant is observed at an extremely low frequency in the gnomAD v4.1.0 dataset (total allele frequency: 0.002%). Predicted Consequence/Location: Missense variant Functional studies provide supporting evidence of the variant having a damaging effect on the gene or gene product (PMID: 15935335). In silico tool predictions suggest damaging effect of the variant on gene or gene product [REVEL: 0.85 (>=0.6, sensitivity 0.68 and specificity 0.92); 3Cnet: 0.99 (> 0.75, sensitivity 0.96 and precision 0.92)]. The same nucleotide change resulting in the same amino acid change has been previously reported as pathogenic/likely pathogenic with strong evidence (ClinVar ID: VCV000053018 /PMID: 10973849). Different missense changes at the same codon (p.Arg594Leu, p.Arg594Pro) have been reported as pathogenic/likely pathogenic with strong evidence (ClinVar ID: VCV000053019, VCV002502702 /PMID: 17224687). Therefore, this variant is classified as Pathogenic according to the recommendation of ACMG/AMP guideline.

Clinical Genetics Laboratory, Skane University Hospital Lund
Classification: Likely pathogenic for Long QT syndrome 1. Last evaluated: 2025-07-18. Review status: criteria provided, single submitter. Criteria: ACMG Guidelines, 2015. Collection method: clinical testing. Allele origin: germline. Affected: yes.
Comment: ACMG criteria used: PS3, PS4_Moderate, PM3, PP3

NM_000218.3(KCNQ1):c.1781G>A (p.Arg594Gln)

Gene: KCNQ1 (potassium voltage-gated channel subfamily Q member 1; plus strand). Cytogenetic location: 11p15.5.
Variant type: single nucleotide variant.
Coding change: c.1781G>A on transcript NM_000218.3 (MANE Select); coding-DNA position 1781, G replaced by A.
Protein change: p.Arg594Gln; replaces arginine 594 with glutamine.
Molecular consequence: missense variant.
Genome position (GRCh38, 1-based): chr11:2,778,024, G>A. VCF-style: chr11-2778024-G-A. GRCh37 (hg19) VCF-style: chr11-2799254-G-A.
Other names: p.R594Q:CGA>CAA; c.1781G>A (LRG_287t1); c.1685G>A, p.Arg562Gln (NM_001406836.1); c.1511G>A, p.Arg504Gln (NM_001406837.1); c.1241G>A, p.Arg414Gln (NM_001406838.1); c.293G>A, p.Arg98Gln (NM_001406839.1); c.1400G>A, p.Arg467Gln (NM_181798.2); short protein forms R594Q, R467Q, R504Q, R98Q, R414Q, R562Q.
Identifiers: ClinVar variation 53018 (VCV000053018.51), dbSNP rs199472815, ClinGen allele CA006388.